The following is an entry in ClinVar:

NM_000260.4(MYO7A):c.5566C>T (p.Arg1856Cys)

Gene: MYO7A (myosin VIIA; plus strand). Cytogenetic location: 11q13.5.
Variant type: single nucleotide variant.
Coding change: c.5566C>T on transcript NM_000260.4 (MANE Select); coding-DNA position 5566, C replaced by T.
Protein change: p.Arg1856Cys; replaces arginine 1856 with cysteine.
Molecular consequence: missense variant.
Genome position (GRCh38, 1-based): chr11:77,205,547, C>T. VCF-style: chr11-77205547-C-T. GRCh37 (hg19) VCF-style: chr11-76916592-C-T.
Other names: c.5452C>T, p.Arg1818Cys (NM_001127180.2); c.5419C>T, p.Arg1807Cys (NM_001369365.1); short protein forms R1807C, R1818C, R1856C.
Identifiers: ClinVar variation 969364 (VCV000969364.9), dbSNP rs748052241, ClinGen allele CA6198747.

ClinVar aggregate classification (germline): Uncertain significance. Review status: criteria provided, multiple submitters, no conflicts (2 of 4 stars). 4 submissions from 4 submitters: Uncertain significance (3). 1 of the submissions does not count toward it. Last evaluated 2025-08-07.

Conditions:
Inborn genetic diseases. Identifiers: MedGen C0950123, MeSH D030342.
Usher syndrome type 1B (USH1B). Also called: Usher syndrome type IB. Identifiers: MedGen C1848638, MONDO:0700087.

Allele frequency attached by ClinVar (database versions not stated): gnomAD 0.00001; TOPMed 0.00001; ExAC 0.00002; gnomAD exomes 0.00002.
gnomAD v4.1: 28 of 1,611,336 alleles (0.0017%); highest among the groups gnomAD compares: South Asian, 0.014%; no homozygotes.

Submissions (4):

GeneDx
Classification: Uncertain significance. Last evaluated: 2025-08-07. Review status: criteria provided, single submitter. Criteria: GeneDx Variant Classification Process June 2021. Collection method: clinical testing. Allele origin: germline. Affected: yes.
Comment: In silico analysis supports that this missense variant has a deleterious effect on protein structure/function; Has not been previously published as pathogenic or benign to our knowledge

Ambry Genetics
Classification: Uncertain significance for Inborn genetic diseases. Last evaluated: 2025-06-29. Review status: criteria provided, single submitter. Criteria: Ambry Variant Classification Scheme 2023. Collection method: clinical testing. Allele origin: germline.

Labcorp Genetics (formerly Invitae), Labcorp
Classification: Uncertain significance. Last evaluated: 2022-07-19. Review status: criteria provided, single submitter. Criteria: Invitae Variant Classification Sherloc (09022015). Collection method: clinical testing. Allele origin: germline.
Comment: This sequence change replaces arginine, which is basic and polar, with cysteine, which is neutral and slightly polar, at codon 1856 of the MYO7A protein (p.Arg1856Cys). This variant is present in population databases (rs748052241, gnomAD 0.01%). This variant has not been reported in the literature in individuals affected with MYO7A-related conditions. ClinVar contains an entry for this variant (Variation ID: 969364). Advanced modeling of protein sequence and biophysical properties (such as structural, functional, and spatial information, amino acid conservation, physicochemical variation, residue mobility, and thermodynamic stability) performed at Invitae indicates that this missense variant is not expected to disrupt MYO7A protein function. In summary, the available evidence is currently insufficient to determine the role of this variant in disease. Therefore, it has been classified as a Variant of Uncertain Significance.

Natera, Inc.
Classification: Uncertain significance for Usher syndrome type 1B. Last evaluated: 2020-03-10. Review status: no assertion criteria provided. Collection method: clinical testing. Allele origin: germline. Not counted in ClinVar's aggregate classification.